The following is an entry in ClinVar:

NM_032802.4(SPPL2A):c.890T>A (p.Ile297Lys)

Gene: SPPL2A (signal peptide peptidase like 2A; minus strand). Cytogenetic location: 15q21.2.
Variant type: single nucleotide variant.
Coding change: c.890T>A on transcript NM_032802.4 (MANE Select); coding-DNA position 890, T replaced by A.
Protein change: p.Ile297Lys; replaces isoleucine 297 with lysine.
Molecular consequence: missense variant.
Genome position (GRCh38, 1-based): chr15:50,736,143, A>T on the plus strand (T>A on the coding strand, the complement: SPPL2A is on the minus strand). VCF-style: chr15-50736143-A-T. GRCh37 (hg19) VCF-style: chr15-51028340-A-T.
Other names: short protein forms I297K.
Identifiers: ClinVar variation 1469859 (VCV001469859.8), dbSNP rs2141039593, ClinGen allele CA392411784.

ClinVar aggregate classification (germline): Uncertain significance (1 of 4 stars; one submission).

Submission:

Labcorp Genetics (formerly Invitae), Labcorp
Classification: Uncertain significance. Last evaluated: 2020-10-19. Review status: criteria provided, single submitter. Criteria: Invitae Variant Classification Sherloc (09022015). Collection method: clinical testing. Allele origin: germline.
Comment: This sequence change replaces isoleucine with lysine at codon 297 of the SPPL2A protein (p.Ile297Lys). The isoleucine residue is highly conserved and there is a moderate physicochemical difference between isoleucine and lysine. This variant is not present in population databases (ExAC no frequency). This variant has not been reported in the literature in individuals with SPPL2A-related conditions. Algorithms developed to predict the effect of missense changes on protein structure and function (SIFT, PolyPhen-2, Align-GVGD) all suggest that this variant is likely to be disruptive, but these predictions have not been confirmed by published functional studies and their clinical significance is uncertain. In summary, the available evidence is currently insufficient to determine the role of this variant in disease. Therefore, it has been classified as a Variant of Uncertain Significance.